The following is an entry in ClinVar:

NM_003995.4(NPR2):c.1351+10T>C

Gene: NPR2 (natriuretic peptide receptor 2; plus strand). Cytogenetic location: 9p13.3.
Variant type: single nucleotide variant.
Coding change: c.1351+10T>C on transcript NM_003995.4 (MANE Select); 10 bases into the intron after coding-DNA position 1351, T replaced by C.
Molecular consequence: intron variant.
Genome position (GRCh38, 1-based): chr9:35,800,851, T>C. VCF-style: chr9-35800851-T-C. GRCh37 (hg19) VCF-style: chr9-35800848-T-C.
Other names: c.1351+10T>C (NM_001378923.1).
Identifiers: ClinVar variation 772262 (VCV000772262.18), dbSNP rs199798952, ClinGen allele CA5051657.

ClinVar aggregate classification (germline): Conflicting classifications of pathogenicity. Review status: criteria provided, conflicting classifications (1 of 4 stars). 5 submissions from 5 submitters: Uncertain significance (1); Likely benign (3). 1 of the submissions does not count toward it. Last evaluated 2025-05-04.

Conditions:
Acromesomelic dysplasia 1, Maroteaux type (AMD1). Also called: ACROMESOMELIC DYSPLASIA 1; ST. HELENA DYSPLASIA. Identifiers: Orphanet 40, MedGen C1864356, MONDO:0011275, OMIM 602875.
NPR2-related disorder. Also called: NPR2-related disorders; NPR2-related condition.
Tall stature-scoliosis-macrodactyly of the great toes syndrome. Also called: Epiphyseal chondrodysplasia, miura type. Identifiers: Orphanet 329191, MedGen C4014690, MONDO:0014401, OMIM 615923.

Allele frequency attached by ClinVar (database versions not stated): 1000 Genomes Project 30x 0.00016; 1000 Genomes Project 0.00020; ExAC 0.00036; gnomAD exomes 0.00043 and 0.00060; TOPMed 0.00044; gnomAD 0.00061 and 0.00063; ESP Exome Variant Server 0.00062.

Submissions (5):

Labcorp Genetics (formerly Invitae), Labcorp
Classification: Likely benign for Tall stature-scoliosis-macrodactyly of the great toes syndrome; Acromesomelic dysplasia 1, Maroteaux type. Last evaluated: 2025-05-04. Review status: criteria provided, single submitter. Criteria: Invitae Variant Classification Sherloc (09022015). Collection method: clinical testing. Allele origin: germline.

Blueprint Genetics
Classification: Likely benign. Last evaluated: 2024-05-08. Review status: criteria provided, single submitter. Criteria: ACMG Guidelines, 2015. Collection method: clinical testing. Allele origin: germline.

Women's Health and Genetics/Laboratory Corporation of America, LabCorp
Classification: Likely benign. Last evaluated: 2023-10-24. Review status: criteria provided, single submitter. Criteria: LabCorp Variant Classification Summary - May 2015. Collection method: clinical testing. Allele origin: germline.
Comment: Variant summary: NPR2 c.1351+10T>C alters a conserved nucleotide located at a position not widely known to affect splicing. Consensus agreement among computation tools predict no significant impact on normal splicing. However, these predictions have yet to be confirmed by functional studies. The variant allele was found at a frequency of 0.00043 in 251466 control chromosomes. This frequency is not significantly higher than estimated for a pathogenic variant in NPR2 causing NPR2-Related Disorders, allowing no conclusion about variant significance. To our knowledge, no occurrence of c.1351+10T>C in individuals affected with NPR2-Related Disorders and no experimental evidence demonstrating its impact on protein function have been reported. Two submitters have cited clinical-significance assessments for this variant to ClinVar after 2014. One submitter classified the variant as likely benign, and one submitter classified the variant as uncertain significance. Based on the evidence outlined above, the variant was classified as likely benign.

Illumina Laboratory Services, Illumina
Classification: Uncertain significance for Acromesomelic dysplasia 1, Maroteaux type. Last evaluated: 2018-01-12. Review status: criteria provided, single submitter. Criteria: ICSL Variant Classification Criteria 13 December 2019. Collection method: clinical testing. Allele origin: germline.

PreventionGenetics, part of Exact Sciences
Classification: Likely benign for NPR2-related condition. Last evaluated: 2023-12-06. Review status: no assertion criteria provided. Collection method: clinical testing. Allele origin: germline. Not counted in ClinVar's aggregate classification.
Comment: This variant is classified as likely benign based on ACMG/AMP sequence variant interpretation guidelines (Richards et al. 2015 PMID: 25741868, with internal and published modifications).